The following is an entry in ClinVar:

NM_001040108.2(MLH3):c.3546C>T (p.Thr1182=)

Gene: MLH3 (mutL homolog 3; minus strand). Cytogenetic location: 14q24.3.
Variant type: single nucleotide variant.
Coding change: c.3546C>T on transcript NM_001040108.2 (MANE Select); coding-DNA position 3546, C replaced by T.
Protein change: p.Thr1182=; no amino-acid change (threonine 1182 retained).
Molecular consequence: synonymous variant.
Genome position (GRCh38, 1-based): chr14:75,039,935, G>A on the plus strand (C>T on the coding strand, the complement: MLH3 is on the minus strand). VCF-style: chr14-75039935-G-A. GRCh37 (hg19) VCF-style: chr14-75506638-G-A.
Other names: c.3546C>T, p.Thr1182= (NM_014381.3).
Identifiers: ClinVar variation 4844391 (VCV004844391.1).

ClinVar aggregate classification (germline): Uncertain significance (1 of 4 stars; one submission).

Submission:

Ambry Genetics
Classification: Uncertain significance. Last evaluated: 2026-03-11. Review status: criteria provided, single submitter. Criteria: Ambry Variant Classification Scheme 2023. Collection method: clinical testing. Allele origin: germline.
Comment: The c.3546C>T variant (also known as p.T1182T), located in coding exon 4 of the MLH3 gene, results from a C to T substitution at nucleotide position 3546. This nucleotide substitution does not change the amino acid at codon 1182. This nucleotide position is not well conserved in available vertebrate species. In silico splice site analysis for this alteration is inconclusive. Based on the available evidence, the clinical significance of this variant remains unclear.